The following is an entry in ClinVar:

ClinVar aggregate classification (germline): Likely benign (1 of 4 stars; one submission).

gnomAD v4.1: 1,813 of 658,784 alleles (0.28%); highest among the groups gnomAD compares: Non-Finnish European, 0.42%; 4 homozygotes.

Submission:

CeGaT Center for Human Genetics Tuebingen
Classification: Likely benign. Last evaluated: 2025-12-01. Review status: criteria provided, single submitter. Criteria: CeGaT Center For Human Genetics Tuebingen Variant Classification Criteria Version 2. Collection method: clinical testing. Allele origin: germline. Affected: yes. Observed: 2 variant alleles.
Comment: PDZD7: BS1

NM_001195263.2(PDZD7):c.1522+391G>A

Gene: PDZD7 (PDZ domain containing 7; minus strand). Cytogenetic location: 10q24.31.
Variant type: single nucleotide variant.
Coding change: c.1522+391G>A on transcript NM_001195263.2 (MANE Select); 391 bases into the intron after coding-DNA position 1522, G replaced by A.
Molecular consequence: intron variant.
Genome position (GRCh38, 1-based): chr10:101,017,708, C>T on the plus strand (G>A on the coding strand, the complement: PDZD7 is on the minus strand). VCF-style: chr10-101017708-C-T. GRCh37 (hg19) VCF-style: chr10-102777465-C-T.
Other names: c.1523-93G>A (NM_024895.5); c.1551-93G>A (NM_001351044.2).
Identifiers: ClinVar variation 3898135 (VCV003898135.7).